The following is an entry in ClinVar:

ClinVar aggregate classification (germline): Uncertain significance (1 of 4 stars; one submission).

Conditions:
Developmental and epileptic encephalopathy, 8 (DEE8). Also called: HYPEREKPLEXIA AND EPILEPSY. Identifiers: Orphanet 163985, Orphanet 2076, MedGen C1845102, MONDO:0010375, OMIM 300607.

Submission:

Labcorp Genetics (formerly Invitae), Labcorp
Classification: Uncertain significance for Developmental and epileptic encephalopathy, 8. Last evaluated: 2022-05-30. Review status: criteria provided, single submitter. Criteria: Invitae Variant Classification Sherloc (09022015). Collection method: clinical testing. Allele origin: germline.
Comment: In summary, the available evidence is currently insufficient to determine the role of this variant in disease. Therefore, it has been classified as a Variant of Uncertain Significance. Algorithms developed to predict the effect of sequence changes on RNA splicing suggest that this variant may disrupt the consensus splice site. This variant has not been reported in the literature in individuals affected with ARHGEF9-related conditions. This variant is not present in population databases (gnomAD no frequency). This sequence change falls in intron 7 of the ARHGEF9 gene. It does not directly change the encoded amino acid sequence of the ARHGEF9 protein.

NM_001353921.2(ARHGEF9):c.1078-11_1078-8del

Gene: ARHGEF9 (Cdc42 guanine nucleotide exchange factor 9; minus strand). Cytogenetic location: Xq11.1.
Variant type: Microsatellite.
Coding change: c.1078-11_1078-8del on transcript NM_001353921.2 (MANE Select); 11 bases into the intron before coding-DNA position 1078 through 8 bases into the intron before coding-DNA position 1078, 4 bases deleted (TTCC; older notation c.1078-11_1078-8delTTCC).
Molecular consequence: intron variant.
Genome position (GRCh38, 1-based): chrX:63,655,745-63,655,748, GGAA deleted on the plus strand (TTCC on the coding strand, the reverse complement: ARHGEF9 is on the minus strand); deleting any 4 consecutive bases within chrX:63,655,745-63,655,753 gives the same sequence; the c. name uses the placement nearest the transcript's 3' end. VCF-style (leftmost placement, unchanged base first): chrX-63655744-GGGAA-G. GRCh37 (hg19) VCF-style: chrX-62875624-GGGAA-G.
Other names: c.898-11_898-8del (NM_001173479.2); c.946-11_946-8del (NM_001353922.2); c.993+10138_993+10141del (NM_001369043.1, NM_001369044.1); c.994-11_994-8del (NM_001330495.2, NM_001369038.1, NM_001369037.1 and 4 more transcripts); c.1096-11_1096-8del (NM_001353923.1); c.862-11_862-8del (NM_001369041.1, NM_001353927.2); c.877-11_877-8del (NM_001369040.1, NM_001369039.1, NM_001353926.2 and 1 more transcripts); c.1057-11_1057-8del (NM_001369031.1, NM_001369030.1, NM_001369032.1 and 1 more transcripts); and 3 more.
Identifiers: ClinVar variation 2001164 (VCV002001164.4), dbSNP rs2519618811, ClinGen allele CA2580612332.